The following is an entry in ClinVar:

NM_001440.4(EXTL3):c.1309G>A (p.Gly437Arg)

Gene: EXTL3 (exostosin like glycosyltransferase 3; plus strand). Cytogenetic location: 8p21.1.
Variant type: single nucleotide variant.
Coding change: c.1309G>A on transcript NM_001440.4 (MANE Select); coding-DNA position 1309, G replaced by A.
Protein change: p.Gly437Arg; replaces glycine 437 with arginine.
Molecular consequence: missense variant.
Genome position (GRCh38, 1-based): chr8:28,717,368, G>A. VCF-style: chr8-28717368-G-A. GRCh37 (hg19) VCF-style: chr8-28574885-G-A.
Other names: short protein forms G437R.
Identifiers: ClinVar variation 2192916 (VCV002192916.1), dbSNP rs368469541, ClinGen allele CA4696183.
Genomic context (GRCh38, chr8:28,717,368, plus strand): 5'-GAGCGGGAGGACCGCTTGGAATTGCTGAAGCTCTCCACCTTCGCCCTCATCATTACCCCC[G>A]GGGACCCTCGCTTGGTTATTTCCTCTGGGTGTGCAACACGGCTCTTCGAAGCCCTGGAAG-3'
Protein context (NP_001431.1, residues 427-447): LSTFALIITP[Gly437Arg]DPRLVISSGC

ClinVar aggregate classification (germline): Uncertain significance (1 of 4 stars; one submission).

Allele frequency attached by ClinVar (database versions not stated): gnomAD 0.00001; TOPMed 0.00001; ExAC 0.00007; ESP Exome Variant Server 0.00015.
gnomAD v4.1: 20 of 1,614,038 alleles (0.0012%); highest among the groups gnomAD compares: Non-Finnish European, 0.0016%; no homozygotes.

Submission:

Labcorp Genetics (formerly Invitae), Labcorp
Classification: Uncertain significance. Last evaluated: 2022-03-21. Review status: criteria provided, single submitter. Criteria: Invitae Variant Classification Sherloc (09022015). Collection method: clinical testing. Allele origin: germline.
Comment: This sequence change replaces glycine, which is neutral and non-polar, with arginine, which is basic and polar, at codon 437 of the EXTL3 protein (p.Gly437Arg). This variant is present in population databases (rs368469541, gnomAD 0.006%). This variant has not been reported in the literature in individuals affected with EXTL3-related conditions. Algorithms developed to predict the effect of missense changes on protein structure and function are either unavailable or do not agree on the potential impact of this missense change (SIFT: "Tolerated"; PolyPhen-2: "Probably Damaging"; Align-GVGD: "Class C0"). In summary, the available evidence is currently insufficient to determine the role of this variant in disease. Therefore, it has been classified as a Variant of Uncertain Significance.